The following is an entry in ClinVar:

ClinVar aggregate classification (germline): Uncertain significance (1 of 4 stars; one submission).

Submission:

Labcorp Genetics (formerly Invitae), Labcorp
Classification: Uncertain significance. Last evaluated: 2023-07-17. Review status: criteria provided, single submitter. Criteria: Invitae Variant Classification Sherloc (09022015). Collection method: clinical testing. Allele origin: germline.
Comment: This variant is not present in population databases (gnomAD no frequency). In summary, the available evidence is currently insufficient to determine the role of this variant in disease. Therefore, it has been classified as a Variant of Uncertain Significance. Variants that disrupt the consensus splice site are a relatively common cause of aberrant splicing (PMID: 17576681, 9536098). Algorithms developed to predict the effect of sequence changes on RNA splicing suggest that this variant is not likely to affect RNA splicing. ClinVar contains an entry for this variant (Variation ID: 1999978). This variant has not been reported in the literature in individuals affected with MYO5B-related conditions. This sequence change falls in intron 15 of the MYO5B gene. It does not directly change the encoded amino acid sequence of the MYO5B protein. It affects a nucleotide within the consensus splice site.

Literature cited by the submitters: PubMed 17576681; PubMed 9536098.

NM_001080467.3(MYO5B):c.1905+3C>T

Gene: MYO5B (myosin VB; minus strand). Cytogenetic location: 18q21.1.
Variant type: single nucleotide variant.
Coding change: c.1905+3C>T on transcript NM_001080467.3 (MANE Select); 3 bases into the intron after coding-DNA position 1905, C replaced by T.
Molecular consequence: intron variant.
Genome position (GRCh38, 1-based): chr18:49,937,242, G>A on the plus strand (C>T on the coding strand, the complement: MYO5B is on the minus strand). VCF-style: chr18-49937242-G-A. GRCh37 (hg19) VCF-style: chr18-47463612-G-A.
Identifiers: ClinVar variation 1999978 (VCV001999978.4), dbSNP rs2511304294, ClinGen allele CA2580095795.